The following is an entry in ClinVar:

ClinVar aggregate classification (germline): Conflicting classifications of pathogenicity. Review status: criteria provided, conflicting classifications (1 of 4 stars). 5 submissions from 5 submitters: Uncertain significance (1); Likely benign (4). Last evaluated 2026-01-04.

Conditions:
Bethlem myopathy 1A. Also called: MYOPATHY, BENIGN CONGENITAL, WITH CONTRACTURES; Bethlem myopathy 1; Bethlem Muscular Dystrophy. Identifiers: Orphanet 610, MedGen CN029274, MONDO:0024530, OMIM 158810.

Allele frequency attached by ClinVar (database versions not stated): gnomAD exomes 0.00004 and 0.00013; ExAC 0.00018; gnomAD 0.00043 and 0.00044; TOPMed 0.00050; 1000 Genomes Project 0.00060; ESP Exome Variant Server 0.00077; 1000 Genomes Project 30x 0.00078.
gnomAD v4.1: 126 of 1,612,574 alleles (0.0078%); highest among the groups gnomAD compares: African/African-American, 0.12%; no homozygotes.

Submissions (5):

Labcorp Genetics (formerly Invitae), Labcorp
Classification: Likely benign for Bethlem myopathy 1A. Last evaluated: 2026-01-04. Review status: criteria provided, single submitter. Criteria: Invitae Variant Classification Sherloc (09022015). Collection method: clinical testing. Allele origin: germline.

CeGaT Center for Human Genetics Tuebingen
Classification: Likely benign. Last evaluated: 2025-04-01. Review status: criteria provided, single submitter. Criteria: CeGaT Center For Human Genetics Tuebingen Variant Classification Criteria Version 2. Collection method: clinical testing. Allele origin: germline. Affected: yes. Observed: 1 variant allele.
Comment: COL6A2: BP4, BP7

Blueprint Genetics
Classification: Likely benign. Last evaluated: 2020-04-17. Review status: criteria provided, single submitter. Criteria: ACMG Guidelines, 2015. Collection method: clinical testing. Allele origin: germline.

GeneDx
Classification: Likely benign. Last evaluated: 2017-12-18. Review status: criteria provided, single submitter. Criteria: GeneDx Variant Classification (06012015). Collection method: clinical testing. Allele origin: germline. Affected: yes.
Comment: This variant is considered likely benign or benign based on one or more of the following criteria: it is a conservative change, it occurs at a poorly conserved position in the protein, it is predicted to be benign by multiple in silico algorithms, and/or has population frequency not consistent with disease.

Eurofins Ntd Llc (ga)
Classification: Uncertain significance. Last evaluated: 2016-10-18. Review status: criteria provided, single submitter. Criteria: EGL Classification Definitions 2015. Collection method: clinical testing. Allele origin: germline. Observed: 1 variant allele, 1 heterozygote.

NM_001849.4(COL6A2):c.426G>A (p.Thr142=)

Gene: COL6A2 (collagen type VI alpha 2 chain; plus strand). Cytogenetic location: 21q22.3.
Variant type: single nucleotide variant.
Coding change: c.426G>A on transcript NM_001849.4 (MANE Select); coding-DNA position 426, G replaced by A.
Protein change: p.Thr142=; no amino-acid change (threonine 142 retained).
Molecular consequence: synonymous variant.
Genome position (GRCh38, 1-based): chr21:46,112,289, G>A. VCF-style: chr21-46112289-G-A. GRCh37 (hg19) VCF-style: chr21-47532203-G-A.
Other names: c.426G>A, p.Thr142= (NM_058174.3, NM_058175.3).
Identifiers: ClinVar variation 476488 (VCV000476488.23), dbSNP rs149480738, ClinGen allele CA10071288.